The following is an entry in ClinVar:

ClinVar aggregate classification (germline): Likely benign. Review status: criteria provided, multiple submitters, no conflicts (2 of 4 stars). 2 submissions from 2 submitters: Likely benign (2). Last evaluated 2025-04-13.

Conditions:
Muscular dystrophy-dystroglycanopathy (congenital with brain and eye anomalies), type A14. Also called: WALKER-WARBURG SYNDROME OR MUSCLE-EYE-BRAIN DISEASE, GMPPB-RELATED; Muscular dystrophy-dystroglycanopathy (congenital with brain and eye anomalies), type a, 14; Congenital Muscular Dystrophy-Dystroglycanopathy with Brain and Eye Anomalies Type A 14; Congenital muscular dystrophy-dystroglycanopathy with brain and eye anomalies, type A14. Identifiers: Orphanet 588, MedGen C3809216, MONDO:0014140, OMIM 615350.
Muscular dystrophy-dystroglycanopathy (congenital with impaired intellectual development), type B, 14. Also called: Muscular dystrophy-dystroglycanopathy (congenital with intellectual disability), type B14; MUSCULAR DYSTROPHY, CONGENITAL, GMPPB-RELATED; Congenital muscular dystrophy-dystroglycanopathy with mental retardation, type B14. Identifiers: MedGen C3809221, MONDO:0014141, OMIM 615351.
Autosomal recessive limb-girdle muscular dystrophy type 2T. Also called: MUSCULAR DYSTROPHY-DYSTROGLYCANOPATHY, LIMB-GIRDLE, GMPPB-RELATED; MUSCULAR DYSTROPHY, LIMB-GIRDLE, TYPE 2T; Muscular dystrophy-dystroglycanopathy (limb-girdle), type c, 14; Limb-girdle muscular dystrophy-dystroglycanopathy, type C14. Identifiers: Orphanet 363623, MedGen C4518000, MONDO:0014142, OMIM 615352.

Allele frequency attached by ClinVar (database versions not stated): gnomAD exomes 0.00001 and 0.00002; ESP Exome Variant Server 0.00008; gnomAD 0.00013; ExAC 0.00001; TOPMed 0.00006.
gnomAD v4.1: 24 of 1,609,080 alleles (0.0015%); highest among the groups gnomAD compares: African/African-American, 0.031%; no homozygotes.

Submissions (2):

Labcorp Genetics (formerly Invitae), Labcorp
Classification: Likely benign for Autosomal recessive limb-girdle muscular dystrophy type 2T; Muscular dystrophy-dystroglycanopathy (congenital with brain and eye anomalies), type A14; Muscular dystrophy-dystroglycanopathy (congenital with impaired intellectual development), type B, 14. Last evaluated: 2025-04-13. Review status: criteria provided, single submitter. Criteria: Invitae Variant Classification Sherloc (09022015). Collection method: clinical testing. Allele origin: germline.

GeneDx
Classification: Likely benign. Last evaluated: 2017-10-11. Review status: criteria provided, single submitter. Criteria: GeneDx Variant Classification (06012015). Collection method: clinical testing. Allele origin: germline. Affected: yes.
Comment: This variant is considered likely benign or benign based on one or more of the following criteria: it is a conservative change, it occurs at a poorly conserved position in the protein, it is predicted to be benign by multiple in silico algorithms, and/or has population frequency not consistent with disease.

NM_021971.4(GMPPB):c.403-6A>G

Gene: GMPPB (GDP-mannose pyrophosphorylase B; minus strand). Cytogenetic location: 3p21.31.
Variant type: single nucleotide variant.
Coding change: c.403-6A>G on transcript NM_021971.4 (MANE Select); 6 bases into the intron before coding-DNA position 403, A replaced by G.
Molecular consequence: intron variant.
Genome position (GRCh38, 1-based): chr3:49,722,760, T>C on the plus strand (A>G on the coding strand, the complement: GMPPB is on the minus strand). VCF-style: chr3-49722760-T-C. GRCh37 (hg19) VCF-style: chr3-49760193-T-C.
Other names: c.403-6A>G (NM_013334.4).
Identifiers: ClinVar variation 385216 (VCV000385216.6), dbSNP rs377689496, ClinGen allele CA2405556.
Genomic context (GRCh38, chr3:49,722,760, plus strand): 5'-TGTCAGCCTCACACACCACCACACCGTACTTGGAGGGTTCCTCCACCTTGGTCACCTGAA[T>C]GCAAGGAAGGGGACCTCGGACCTAGTCCAGTGTTCCTAAGCCTTGATACACATGCCGTTC-3'